The following is an entry in ClinVar:

NM_017763.6(RNF43):c.615G>C (p.Val205=)

Gene: RNF43 (ring finger protein 43; minus strand). Cytogenetic location: 17q22.
Variant type: single nucleotide variant.
Coding change: c.615G>C on transcript NM_017763.6 (MANE Select); coding-DNA position 615, G replaced by C.
Protein change: p.Val205=; no amino-acid change (valine 205 retained).
Molecular consequence: synonymous variant.
Genome position (GRCh38, 1-based): chr17:58,362,616, C>G on the plus strand (G>C on the coding strand, the complement: RNF43 is on the minus strand). VCF-style: chr17-58362616-C-G. GRCh37 (hg19) VCF-style: chr17-56439977-C-G.
Other names: c.615G>C, p.Val205= (NM_001305544.3, NM_001438820.1, NM_001438821.1 and 1 more transcripts); c.234G>C, p.Val78= (NM_001305545.2, NM_001437987.1).
Identifiers: ClinVar variation 4875756 (VCV004875756.1).
Genomic context (GRCh38, chr17:58,362,616, plus strand): 5'-GCGGGGGCGGCACCGGATGCGCAGCACCGAAGCCAGGATGATCACAAAGATGGTGCCCAC[C>G]ACTGTCATTAGGATCCACACATCATAATCTGGCTGGGGAGTGAGCAGAGAGGGAAAGGGT-3'
Protein context (NP_060233.3, residues 195-215): PDYDVWILMT[Val205=]VGTIFVIILA

ClinVar aggregate classification (germline): Benign (1 of 4 stars; one submission).

Conditions:
Sessile serrated polyposis cancer syndrome (SSPCS). Identifiers: Orphanet 157798, MedGen C4310714, MONDO:0014919, OMIM 617108.

Submission:

Myriad Genetics, Inc.
Classification: Benign for Sessile serrated polyposis cancer syndrome. Last evaluated: 2026-06-30. Review status: criteria provided, single submitter. Criteria: Myriad Autosomal Dominant, Autosomal Recessive and X-Linked Classification Criteria (2023). Collection method: clinical testing. Allele origin: unknown.
Comment: This variant is considered benign. This variant is a silent/synonymous amino acid change and it is not expected to impact splicing.